The following is an entry in ClinVar:

NM_001370259.2(MEN1):c.398A>C (p.Tyr133Ser)

Gene: MEN1 (menin 1; minus strand). Cytogenetic location: 11q13.1.
Variant type: single nucleotide variant.
Coding change: c.398A>C on transcript NM_001370259.2 (MANE Select); coding-DNA position 398, A replaced by C.
Protein change: p.Tyr133Ser; replaces tyrosine 133 with serine.
Molecular consequence: missense variant. On other transcripts: non-coding transcript variant (4).
Genome position (GRCh38, 1-based): chr11:64,809,712, T>G on the plus strand (A>C on the coding strand, the complement: MEN1 is on the minus strand). VCF-style: chr11-64809712-T-G. GRCh37 (hg19) VCF-style: chr11-64577184-T-G.
Other names: c.398A>C, p.Tyr133Ser (NM_000244.4, NM_001370251.2, NM_001370260.2 and 20 more transcripts); short protein forms Y133S.
Identifiers: ClinVar variation 5024299 (VCV005024299.1).

ClinVar aggregate classification (germline): Uncertain significance (1 of 4 stars; one submission).

Conditions:
Hereditary cancer-predisposing syndrome. Also called: Neoplastic Syndromes, Hereditary; Tumor predisposition; Hereditary neoplastic syndrome; Hereditary Cancer Syndrome. Identifiers: Orphanet 140162, MedGen C0027672, MeSH D009386, MONDO:0015356.

Submission:

Ambry Genetics
Classification: Uncertain significance for Hereditary cancer-predisposing syndrome. Last evaluated: 2026-08-08. Review status: criteria provided, single submitter. Criteria: Ambry Variant Classification Scheme 2023. Collection method: clinical testing. Allele origin: germline.
Comment: The p.Y133S variant (also known as c.398A>C), located in coding exon 1 of the MEN1 gene, results from an A to C substitution at nucleotide position 398. The tyrosine at codon 133 is replaced by serine, an amino acid with dissimilar properties. This amino acid position is conserved. In addition, this alteration is predicted to be deleterious by in silico analysis. Based on the available evidence, the clinical significance of this variant remains unclear.